The following is an entry in ClinVar:

NM_139027.6(ADAMTS13):c.2889C>T (p.Ser963=)

Gene: ADAMTS13 (ADAM metallopeptidase with thrombospondin type 1 motif 13; plus strand). Cytogenetic location: 9q34.2.
Variant type: single nucleotide variant.
Coding change: c.2889C>T on transcript NM_139027.6 (MANE Select); coding-DNA position 2889, C replaced by T.
Protein change: p.Ser963=; no amino-acid change (serine 963 retained).
Molecular consequence: synonymous variant. On other transcripts: non-coding transcript variant (1).
Genome position (GRCh38, 1-based): chr9:133,449,810, C>T. VCF-style: chr9-133449810-C-T. GRCh37 (hg19) VCF-style: chr9-136314931-C-T.
Other names: p.Ser963=; c.2889C>T, p.Ser963= (NM_139025.5); c.2796C>T, p.Ser932= (NM_139026.6).
Identifiers: ClinVar variation 1879746 (VCV001879746.31), dbSNP rs148031420, ClinGen allele CA200940010.
Genomic context (GRCh38, chr9:133,449,810, plus strand): 5'-CTGTTTGGGGTCCCTGACTCCAGTTTGCTCCAGGTGGCAGTACAAGCTGGCGGCCTGCAG[C>T]GTGAGCTGTGGGAGAGGGGTCGTGCGGAGGATCCTGTATTGTGCCCGGGCCCATGGGGAG-3'
Protein context (NP_620596.2, residues 953-973): ARWQYKLAAC[Ser963=]VSCGRGVVRR

ClinVar aggregate classification (germline): Likely benign. Review status: criteria provided, multiple submitters, no conflicts (2 of 4 stars). 3 submissions from 3 submitters: Likely benign (3). Last evaluated 2025-07-01.

Allele frequency attached by ClinVar (database versions not stated): ExAC 0.00005; ESP Exome Variant Server 0.00008.
gnomAD v4.1: 35 of 1,614,048 alleles (0.0022%); highest among the groups gnomAD compares: Non-Finnish European, 0.0025%; no homozygotes.

Submissions (3):

CeGaT Center for Human Genetics Tuebingen
Classification: Likely benign. Last evaluated: 2025-07-01. Review status: criteria provided, single submitter. Criteria: CeGaT Center For Human Genetics Tuebingen Variant Classification Criteria Version 2. Collection method: clinical testing. Allele origin: germline. Affected: yes. Observed: 2 variant alleles.
Comment: ADAMTS13: BP4, BP7

Laboratory of Genetics, Children's Clinical University Hospital Latvia
Classification: Likely benign. Last evaluated: 2025-02-16. Review status: criteria provided, single submitter. Criteria: ACMG Guidelines, 2015. Collection method: clinical testing. Allele origin: germline. Affected: yes.

Mayo Clinic Laboratories, Mayo Clinic
Classification: Likely benign. Last evaluated: 2025-01-22. Review status: criteria provided, single submitter. Criteria: ACMG Guidelines, 2015. Collection method: clinical testing. Allele origin: germline. Observed: 1 variant allele.
Comment: BP4, BP7, PM2_supporting